The following is an entry in ClinVar:

ClinVar aggregate classification (germline): Uncertain significance (1 of 4 stars; one submission).

Conditions:
Hereditary cancer-predisposing syndrome. Also called: Neoplastic Syndromes, Hereditary; Tumor predisposition; Hereditary Cancer Syndrome; Hereditary neoplastic syndrome. Identifiers: Orphanet 140162, MedGen C0027672, MeSH D009386, MONDO:0015356.

Submission:

Ambry Genetics
Classification: Uncertain significance for Hereditary cancer-predisposing syndrome. Last evaluated: 2024-07-02. Review status: criteria provided, single submitter. Criteria: Ambry Variant Classification Scheme 2023. Collection method: clinical testing. Allele origin: germline.
Comment: The p.D1562Y variant (also known as c.4684G>T), located in coding exon 15 of the APC gene, results from a G to T substitution at nucleotide position 4684. The aspartic acid at codon 1562 is replaced by tyrosine, an amino acid with highly dissimilar properties. This amino acid position is highly conserved in available vertebrate species. In addition, in silico predictors for this gene do not accurately predict pathogenicity. Missense alterations in APC are not a common cause of disease (Spier I et al. Genet Med. 2024 Feb;26(2):100992). Based on the available evidence, the clinical significance of this variant remains unclear.

NM_000038.6(APC):c.4684G>T (p.Asp1562Tyr)

Gene: APC (APC regulator of Wnt signaling pathway; plus strand). Cytogenetic location: 5q22.2.
Variant type: single nucleotide variant.
Coding change: c.4684G>T on transcript NM_000038.6 (MANE Select); coding-DNA position 4684, G replaced by T.
Protein change: p.Asp1562Tyr; replaces aspartic acid 1562 with tyrosine.
Molecular consequence: missense variant. On other transcripts: non-coding transcript variant (2).
Genome position (GRCh38, 1-based): chr5:112,840,278, G>T. VCF-style: chr5-112840278-G-T. GRCh37 (hg19) VCF-style: chr5-112175975-G-T.
Other names: c.4684G>T, p.Asp1562Tyr (NM_001354895.2, NM_001407450.1, NM_001127510.3); c.4738G>T, p.Asp1580Tyr (NM_001354896.2, NM_001407447.1, NM_001407448.1 and 1 more transcripts); c.4714G>T, p.Asp1572Tyr (NM_001354897.2); c.4609G>T, p.Asp1537Tyr (NM_001354898.2); c.4600G>T, p.Asp1534Tyr (NM_001354899.2); c.4561G>T, p.Asp1521Tyr (NM_001354900.2); c.4507G>T, p.Asp1503Tyr (NM_001354901.2, NM_001407453.1); c.4411G>T, p.Asp1471Tyr (NM_001354902.2); and 11 more; short protein forms D1178Y, D1436Y, D1461Y, D1580Y, D1279Y, D1402Y, D1521Y, D1534Y.
Identifiers: ClinVar variation 3409268 (VCV003409268.1).
Genomic context (GRCh38, chr5:112,840,278, plus strand): 5'-CCTAAAGAATCAAATGAAAACCAAGAGAAAGAGGCAGAAAAAACTATTGATTCTGAAAAG[G>T]ACCTATTAGATGATTCAGATGATGATGATATTGAAATACTAGAAGAATGTATTATTTCTG-3'
Protein context (NP_000029.2, residues 1552-1572): EAEKTIDSEK[Asp1562Tyr]LLDDSDDDDI